The following is an entry in ClinVar:

NM_000091.5(COL4A3):c.3202G>T (p.Gly1068Ter)

Genes: MFF-DT (MFF divergent transcript; minus strand), COL4A3 (collagen type IV alpha 3 chain; plus strand). Cytogenetic location: 2q36.3.
Variant type: single nucleotide variant.
Coding change: c.3202G>T on transcript NM_000091.5 (MANE Select); coding-DNA position 3202, G replaced by T.
Protein change: p.Gly1068Ter; replaces glycine 1068 with a stop codon.
Molecular consequence: nonsense.
Genome position (GRCh38, 1-based): chr2:227,290,878, G>T. VCF-style: chr2-227290878-G-T. GRCh37 (hg19) VCF-style: chr2-228155594-G-T.
Other names: short protein forms G1068*.
Identifiers: ClinVar variation 4796783 (VCV004796783.1).
Genomic context (GRCh38, chr2:227,290,878, plus strand): 5'-GGTCTCCAGGGAGATAAGGGAGAGCCAGGTTATTCAGAAGGTACAAGGCCAGGACCACCG[G>T]GACCAACGGTATATAGGCCACTGAAATATTTACATTTTAGTGGTGGAGTGAGTGCCTTGA-3'

ClinVar aggregate classification (germline): Likely pathogenic (1 of 4 stars; one submission).

Conditions:
Autosomal dominant Alport syndrome (ATS3A). Also called: ALPORT SYNDROME 3A, AUTOSOMAL DOMINANT; Alport syndrome dominant type; Renal failure and sensorineural hearing loss. Identifiers: Orphanet 63, Orphanet 88918, MedGen C5882663, MONDO:0007086, OMIM 104200.

Submission:

MVZ Medizinische Genetik Mainz
Classification: Likely pathogenic for Autosomal dominant Alport syndrome. Last evaluated: 2026-02-09. Review status: criteria provided, single submitter. Criteria: UK Practice Guidelines For Variant Classification V4 01 2020. Collection method: clinical testing. Allele origin: germline. Inheritance: Autosomal recessive inheritance. Affected: yes. Observed: 1 variant allele.
Comment: ACMG Criteria: PVS1,PM2_SUP